The following is an entry in ClinVar:

NM_032043.3(BRIP1):c.2493-12_2505del

Gene: BRIP1 (BRCA1 interacting DNA helicase 1; minus strand). Cytogenetic location: 17q23.2.
Variant type: Deletion.
Coding change: c.2493-12_2505del on transcript NM_032043.3 (MANE Select); 12 bases into the intron before coding-DNA position 2493 through coding-DNA position 2505, 25 bases deleted (TATTTTTTCTAGATGTATTAGACAC).
Molecular consequence: splice acceptor variant.
Genome position (GRCh38, 1-based): chr17:61,693,500-61,693,524, GTGTCTAATACATCTAGAAAAAATA deleted on the plus strand (TATTTTTTCTAGATGTATTAGACAC on the coding strand, the reverse complement: BRIP1 is on the minus strand); deleting any 25 consecutive bases within chr17:61,693,500-61,693,525 gives the same sequence; the c. name uses the placement nearest the transcript's 3' end. VCF-style (leftmost placement, unchanged base first): chr17-61693499-TGTGTCTAATACATCTAGAAAAAATA-T. GRCh37 (hg19) VCF-style: chr17-59770860-TGTGTCTAATACATCTAGAAAAAATA-T.
Identifiers: ClinVar variation 3482442 (VCV003482442.1).

ClinVar aggregate classification (germline): Likely pathogenic (1 of 4 stars; one submission).

Conditions:
Hereditary cancer-predisposing syndrome. Also called: Tumor predisposition; Neoplastic Syndromes, Hereditary; Hereditary Cancer Syndrome; Hereditary neoplastic syndrome. Identifiers: Orphanet 140162, MedGen C0027672, MeSH D009386, MONDO:0015356.

Submission:

Ambry Genetics
Classification: Likely pathogenic for Hereditary cancer-predisposing syndrome. Last evaluated: 2024-09-19. Review status: criteria provided, single submitter. Criteria: Ambry Variant Classification Scheme 2023. Collection method: clinical testing. Allele origin: germline.
Comment: The c.2493-12_2505del25 variant results from a deletion of 25 nucleotides at positions c.2493-12 to c.2505 between coding exon 17 and intron 16 of the BRIP1 gene. This nucleotide region is well conserved in available vertebrate species. In silico splice site analysis predicts that this alteration will weaken the native splice acceptor site; however, direct evidence is insufficient at this time (Ambry internal data). Alterations that disrupt the canonical splice site are expected to cause aberrant splicing, resulting in an abnormal protein or a transcript that is subject to nonsense-mediated mRNA decay. As such, this alteration is classified as likely pathogenic.